The following is an entry in ClinVar:

ClinVar aggregate classification (germline): Uncertain significance (1 of 4 stars; one submission).

Submission:

GeneDx
Classification: Uncertain significance. Last evaluated: 2025-05-23. Review status: criteria provided, single submitter. Criteria: GeneDx Variant Classification Process June 2021. Collection method: clinical testing. Allele origin: germline. Affected: yes.
Comment: Not observed at significant frequency in large population cohorts (gnomAD); In silico analysis supports that this missense variant has a deleterious effect on protein structure/function; Has not been previously published as pathogenic or benign to our knowledge

NM_016120.4(RLIM):c.1145T>C (p.Ile382Thr)

Gene: RLIM (ring finger protein, LIM domain interacting; minus strand). Cytogenetic location: Xq13.2.
Variant type: single nucleotide variant.
Coding change: c.1145T>C on transcript NM_016120.4 (MANE Select); coding-DNA position 1145, T replaced by C.
Protein change: p.Ile382Thr; replaces isoleucine 382 with threonine.
Molecular consequence: missense variant.
Genome position (GRCh38, 1-based): chrX:74,592,170, A>G on the plus strand (T>C on the coding strand, the complement: RLIM is on the minus strand). VCF-style: chrX-74592170-A-G. GRCh37 (hg19) VCF-style: chrX-73812005-A-G.
Other names: c.1145T>C, p.Ile382Thr (NM_183353.3); short protein forms I382T.
Identifiers: ClinVar variation 4530766 (VCV004530766.1).